The following is an entry in ClinVar:

NM_014727.3(KMT2B):c.1344T>A (p.Pro448=)

Gene: KMT2B (lysine methyltransferase 2B; plus strand). Cytogenetic location: 19q13.12.
Variant type: single nucleotide variant.
Coding change: c.1344T>A on transcript NM_014727.3 (MANE Select); coding-DNA position 1344, T replaced by A.
Protein change: p.Pro448=; no amino-acid change (proline 448 retained).
Molecular consequence: synonymous variant.
Genome position (GRCh38, 1-based): chr19:35,720,691, T>A. VCF-style: chr19-35720691-T-A. GRCh37 (hg19) VCF-style: chr19-36211593-T-A.
Identifiers: ClinVar variation 3025590 (VCV003025590.22), dbSNP rs2513314977, ClinGen allele CA507305856.

ClinVar aggregate classification (germline): Likely benign (1 of 4 stars; one submission).

Submission:

CeGaT Center for Human Genetics Tuebingen
Classification: Likely benign. Last evaluated: 2024-01-01. Review status: criteria provided, single submitter. Criteria: CeGaT Center For Human Genetics Tuebingen Variant Classification Criteria Version 2. Collection method: clinical testing. Allele origin: germline. Affected: yes. Observed: 1 variant allele.
Comment: KMT2B: PM2:Supporting, BP4, BP7